The following is an entry in ClinVar:

ClinVar aggregate classification (germline): Pathogenic (1 of 4 stars; one submission).

Conditions:
Anauxetic dysplasia. Identifiers: Orphanet 93347, MedGen C1846796, MONDO:0011773.

Submission:

Labcorp Genetics (formerly Invitae), Labcorp
Classification: Pathogenic for Anauxetic dysplasia. Last evaluated: 2021-05-31. Review status: criteria provided, single submitter. Criteria: Invitae Variant Classification Sherloc (09022015). Collection method: clinical testing. Allele origin: germline.
Comment: For these reasons, this variant has been classified as Pathogenic. While functional studies for this variant have not been reported, experimental analyses using patient derived cells, as well as in vitro transfection studies, have shown that promoter insertions result in silencing of RMRP transcription and reduced expression of the gene product (PMID: 11207361, 16254002). While this particular variant has not been reported in the literature, it is located in the promoter region between the TATA box and the transcription initiation site, and other insertions and duplications immediately upstream of the coding sequence have been reported in individuals affected with cartilage-hair hypoplasia-anauxetic dysplasia (CHH-AD) spectrum disorders (PMID: 16244706, 11207361, 12107819). The frequency data for this variant in the population databases is considered unreliable, as metrics indicate insufficient coverage at this position in the ExAC database. This variant occurs in the RMRP gene, which encodes an RNA molecule that does not result in a protein product.

Literature cited by the submitters: PubMed 11207361; PubMed 16254002; PubMed 16244706; PubMed 12107819.

NC_000009.12:g.35658029CTTCACAGAGTAG[5]

Gene: RMRP (RNA component of mitochondrial RNA processing endoribonuclease; minus strand). Cytogenetic location: 9p13.3.
Variant type: Microsatellite.
Genome position: GRCh38, VCF-style position (the base before the change): chr9:35,658,026. GRCh37 (hg19), VCF-style position (the base before the change): chr9:35,658,023.
Identifiers: ClinVar variation 1454371 (VCV001454371.6), dbSNP rs751921616, ClinGen allele CA2580616186.